The following is an entry in ClinVar:

NM_000059.4(BRCA2):c.7663A>G (p.Lys2555Glu)

Gene: BRCA2 (BRCA2 DNA repair associated; plus strand). Cytogenetic location: 13q13.1.
Variant type: single nucleotide variant.
Coding change: c.7663A>G on transcript NM_000059.4 (MANE Select); coding-DNA position 7663, A replaced by G.
Protein change: p.Lys2555Glu; replaces lysine 2555 with glutamic acid.
Molecular consequence: missense variant.
Genome position (GRCh38, 1-based): chr13:32,357,787, A>G. VCF-style: chr13-32357787-A-G. GRCh37 (hg19) VCF-style: chr13-32931924-A-G.
Other names: short protein forms K2555E.
Identifiers: ClinVar variation 630561 (VCV000630561.17), dbSNP rs1566242721, ClinGen allele CA387745002.

ClinVar aggregate classification (germline): Uncertain significance. Review status: criteria provided, multiple submitters, no conflicts (2 of 4 stars). 4 submissions from 4 submitters: Uncertain significance (4). Last evaluated 2024-02-22.

Conditions:
Hereditary breast ovarian cancer syndrome. Also called: Hereditary breast and ovarian cancer; Hereditary breast and ovarian cancer syndrome (HBOC); Breast and ovarian cancer; Hereditary breast and ovarian cancer syndrome; BRCA1- and BRCA2-Associated Hereditary Breast and Ovarian Cancer; Hereditary breast and/or ovarian cancer syndrome. Identifiers: Orphanet 145, MedGen C0677776, MeSH D061325, MONDO:0003582. Disease mechanism: loss of function.
Hereditary cancer-predisposing syndrome. Also called: Tumor predisposition; Neoplastic Syndromes, Hereditary; Hereditary neoplastic syndrome; Hereditary Cancer Syndrome. Identifiers: Orphanet 140162, MedGen C0027672, MeSH D009386, MONDO:0015356.
BRCA2-related cancer predisposition. Identifiers: MedGen CN377758, MONDO:0700269.

Allele frequency attached by ClinVar (database versions not stated): gnomAD exomes below 0.00001.
gnomAD v4.1: 1 of 1,613,874 alleles (0.000062%); no homozygotes.

Submissions (4):

All of Us Research Program, National Institutes of Health
Classification: Uncertain significance for BRCA2-related cancer predisposition. Last evaluated: 2024-02-22. Review status: criteria provided, single submitter. Criteria: ACMG Guidelines, 2015. Collection method: clinical testing. Allele origin: germline. Inheritance: Autosomal dominant inheritance. Observed: 1 variant allele, 1 heterozygote.
Comment: This missense variant replaces lysine with glutamic acid at codon 2555 of the BRCA2 protein. Computational prediction suggests that this variant may not impact protein structure and function (internally defined REVEL score threshold <= 0.5, PMID: 27666373). Splice site prediction tools suggest that this variant may not impact RNA splicing. To our knowledge, functional studies have not been performed for this variant. This variant has not been reported in individuals affected with hereditary cancer in the literature. This variant has not been identified in the general population by the Genome Aggregation Database (gnomAD). The available evidence is insufficient to determine the role of this variant in disease conclusively. Therefore, this variant is classified as a Variant of Uncertain Significance.

This study involves interpretation of variants in research participants for the purpose of population health screening. Participant phenotype was not available at the time of variant classification. Additional details can be found in publication PMID: 35346344, PMCID: PMC8962531

Color Diagnostics, LLC DBA Color Health
Classification: Uncertain significance for Hereditary cancer-predisposing syndrome. Last evaluated: 2024-01-31. Review status: criteria provided, single submitter. Criteria: ACMG Guidelines, 2015. Collection method: clinical testing. Allele origin: germline.
Comment: This missense variant replaces lysine with glutamic acid at codon 2555 of the BRCA2 protein. Computational prediction suggests that this variant may not impact protein structure and function. To our knowledge, functional studies have not been reported for this variant. This variant has not been reported in individuals affected with BRCA2-related disorders in the literature. This variant has not been identified in the general population by the Genome Aggregation Database (gnomAD). The available evidence is insufficient to determine the role of this variant in disease conclusively. Therefore, this variant is classified as a Variant of Uncertain Significance.

Quest Diagnostics Nichols Institute San Juan Capistrano
Classification: Uncertain significance. Last evaluated: 2020-10-04. Review status: criteria provided, single submitter. Criteria: Quest Diagnostics criteria. Collection method: clinical testing. Allele origin: unknown.

Labcorp Genetics (formerly Invitae), Labcorp
Classification: Uncertain significance for Hereditary breast ovarian cancer syndrome. Last evaluated: 2019-05-05. Review status: criteria provided, single submitter. Criteria: Invitae Variant Classification Sherloc (09022015). Collection method: clinical testing. Allele origin: germline.
Comment: This variant is not present in population databases (ExAC no frequency). This sequence change replaces lysine with glutamic acid at codon 2555 of the BRCA2 protein (p.Lys2555Glu). The lysine residue is moderately conserved and there is a small physicochemical difference between lysine and glutamic acid. This variant has not been reported in the literature in individuals with BRCA2-related conditions. Algorithms developed to predict the effect of missense changes on protein structure and function are either unavailable or do not agree on the potential impact of this missense change (SIFT: "Tolerated"; PolyPhen-2: "Probably Damaging"; Align-GVGD: "Class C0"). In summary, the available evidence is currently insufficient to determine the role of this variant in disease. Therefore, it has been classified as a Variant of Uncertain Significance.